The following is an entry in ClinVar:

NM_000218.3(KCNQ1):c.1394-12740A>G

Genes: KCNQ1 (potassium voltage-gated channel subfamily Q member 1; plus strand), KCNQ1OT1 (KCNQ1 opposite strand/antisense transcript 1; minus strand). Cytogenetic location: 11p15.5.
Variant type: single nucleotide variant.
Coding change: c.1394-12740A>G on transcript NM_000218.3 (MANE Select); 12740 bases into the intron before coding-DNA position 1394, A replaced by G.
Molecular consequence: intron variant.
Genome position (GRCh38, 1-based): chr11:2,649,221, A>G. VCF-style: chr11-2649221-A-G. GRCh37 (hg19) VCF-style: chr11-2670451-A-G.
Other names: c.1298-12740A>G (NM_001406836.1); c.854-12740A>G (NM_001406838.1); c.1013-12740A>G (NM_181798.2); c.1124-12740A>G (NM_001406837.1).
Identifiers: ClinVar variation 1694604 (VCV001694604.31), dbSNP rs188089172, ClinGen allele CA216161421.

ClinVar aggregate classification (germline): Benign (1 of 4 stars; one submission).

Allele frequency attached by ClinVar (database versions not stated): 1000 Genomes Project 0.00040; 1000 Genomes Project 30x 0.00047; TOPMed 0.00062; gnomAD 0.00070 and 0.00074.
gnomAD v4.1: 374 of 398,276 alleles (0.094%); highest among the groups gnomAD compares: Non-Finnish European, 0.15%; no homozygotes.

Submission:

CeGaT Center for Human Genetics Tuebingen
Classification: Benign. Last evaluated: 2026-09-01. Review status: criteria provided, single submitter. Criteria: CeGaT Center For Human Genetics Tuebingen Variant Classification Criteria Version 2. Collection method: clinical testing. Allele origin: germline. Affected: yes. Observed: 9 variant alleles.
Comment: KCNQ1OT1: BS1, BS2